The following is an entry in ClinVar:

ClinVar aggregate classification (germline): Pathogenic (1 of 4 stars; one submission).

Conditions:
Familial thoracic aortic aneurysm and aortic dissection (TAAD). Also called: Thoracic aortic aneurysms and dissections. Identifiers: Orphanet 91387, MedGen C4707243, MONDO:0019625.
Marfan syndrome (MFS). Also called: FBN1-Related Marfan Syndrome; Marfan syndrome type 1; Marfan's syndrome; Marfan syndrome, classic; MARFAN SYNDROME, TYPE I. Identifiers: Orphanet 284963, Orphanet 558, MedGen C0024796, MONDO:0007947, OMIM 154700.

Submission:

Labcorp Genetics (formerly Invitae), Labcorp
Classification: Pathogenic for Marfan syndrome; Familial thoracic aortic aneurysm and aortic dissection. Last evaluated: 2020-02-07. Review status: criteria provided, single submitter. Criteria: Invitae Variant Classification Sherloc (09022015). Collection method: clinical testing. Allele origin: germline.
Comment: This sequence change replaces cysteine with arginine at codon 2295 of the FBN1 protein (p.Cys2295Arg). The cysteine residue is highly conserved and there is a large physicochemical difference between cysteine and arginine. This variant is not present in population databases (ExAC no frequency). This variant has been observed in individuals affected with Marfan syndrome (PMID: 19659760, Invitae). Algorithms developed to predict the effect of missense changes on protein structure and function do not agree on the potential impact of this missense change (SIFT: "Deleterious"; PolyPhen-2: "Probably Damaging"; Align-GVGD: "Class C0"). This variant affects a cysteine residue located within an epidermal-growth-factor (EGF)–like domain of the FBN1 protein. Cysteine residues in these domains have been shown to be involved in the formation of disulfide bridges, which are critical for FBN1 protein structure and stability (PMID: 10486319, 3495735, 4750422, 16677079). In addition, missense substitutions within the FBN1 EGF-like domains affecting cysteine residues are significantly overrepresented among patients with Marfan syndrome (PMID: 16571647, 17701892). For these reasons, this variant has been classified as Pathogenic.

Literature cited by the submitters: PubMed 19659760; PubMed 10486319; PubMed 3495735; PubMed 4750422; PubMed 16677079; PubMed 16571647; PubMed 17701892.

NM_000138.5(FBN1):c.6883T>C (p.Cys2295Arg)

Gene: FBN1 (fibrillin 1; minus strand). Cytogenetic location: 15q21.1.
Variant type: single nucleotide variant.
Coding change: c.6883T>C on transcript NM_000138.5 (MANE Select); coding-DNA position 6883, T replaced by C.
Protein change: p.Cys2295Arg; replaces cysteine 2295 with arginine.
Molecular consequence: missense variant.
Genome position (GRCh38, 1-based): chr15:48,428,460, A>G on the plus strand (T>C on the coding strand, the complement: FBN1 is on the minus strand). VCF-style: chr15-48428460-A-G. GRCh37 (hg19) VCF-style: chr15-48720657-A-G.
Other names: short protein forms C2295R.
Identifiers: ClinVar variation 567978 (VCV000567978.8), dbSNP rs1555394644, ClinGen allele CA392330914.
Genomic context (GRCh38, chr15:48,428,460, plus strand): 5'-TGTAGCTCCCACGGGTGTTGAGGCAGCGCCCATTCTCACAGATCCCTGGCTTCGTCTGAC[A>G]TTCATTCTCATCTGTTTGATTTTATTGAAGGACCAAAAACAAGAAGAGTCATCTGACCAT-3'
Protein context (NP_000129.3, residues 2285-2305): DGEGCVDENE[Cys2295Arg]QTKPGICENG